The following is an entry in ClinVar:

NM_000020.3(ACVRL1):c.632G>A (p.Gly211Asp)

Gene: ACVRL1 (activin A receptor like type 1; plus strand). Cytogenetic location: 12q13.13.
Variant type: single nucleotide variant.
Coding change: c.632G>A on transcript NM_000020.3 (MANE Select); coding-DNA position 632, G replaced by A.
Protein change: p.Gly211Asp; replaces glycine 211 with aspartic acid.
Molecular consequence: missense variant.
Genome position (GRCh38, 1-based): chr12:51,914,445, G>A. VCF-style: chr12-51914445-G-A. GRCh37 (hg19) VCF-style: chr12-52308229-G-A.
Other names: c.632G>A, p.Gly211Asp (NM_001077401.2); short protein forms G211D.
Identifiers: ClinVar variation 8253 (VCV000008253.11), dbSNP rs28936687, ClinGen allele CA119406.

ClinVar aggregate classification (germline): Pathogenic/Likely pathogenic. Review status: criteria provided, multiple submitters, no conflicts (2 of 4 stars). 4 submissions from 4 submitters: Pathogenic (1); Likely pathogenic (2). 1 of the submissions does not count toward it. Last evaluated 2025-12-11.

Conditions:
Telangiectasia, hereditary hemorrhagic, type 2 (HHT2). Also called: ACVRL1-Related Hereditary Hemorrhagic Telangiectasia; Telangiectasia, hereditary hemorrhagic, type II. Identifiers: Orphanet 774, MedGen C1838163, MONDO:0010880, OMIM 600376. Disease mechanism: loss of function.
Pulmonary arterial hypertension related to hereditary hemorrhagic telangiectasia. Also called: PULMONARY ARTERIAL HYPERTENSION, HEREDITARY HEMORRHAGIC TELANGIECTASIA-RELATED. Identifiers: MedGen C1832529.

Submissions (4):

Medical and Scientific Branch, Hong Kong Genome Institute
Classification: Likely pathogenic for Telangiectasia, hereditary hemorrhagic, type 2. Last evaluated: 2025-12-11. Review status: criteria provided, single submitter. Criteria: ACMG Guidelines, 2015. Collection method: clinical testing. Allele origin: germline. Affected: yes.

ARUP Laboratories, Molecular Genetics and Genomics, ARUP Laboratories
Classification: Pathogenic for Telangiectasia, hereditary hemorrhagic, type 2. Last evaluated: 2019-04-12. Review status: criteria provided, single submitter. Criteria: ARUP Molecular Germline Variant Investigation Process. Collection method: clinical testing. Allele origin: germline.
Comment: The ACVRL1 c.632G>A; p.Gly211Asp variant (rs28936687) is reported in the medical literature in an individual with HHT and pulmonary hypertension (Harrison 2003). Additionally, other variants in this codon, p.Gly211Ser and p.Gly211Cys, have been described in individuals with a diagnosis of HHT or pulmonary hypertension (Heimdal 2016, Yang 2018). The c.632G>A; p.Gly211Asp variant is reported in the ClinVar database (Variation ID: 8253) and is absent from general population databases (Exome Variant Server, Genome Aggregation Database), indicating it is not a common polymorphism. The amino acid at this position is highly conserved and computational algorithms (PolyPhen-2, SIFT) predict this variant is deleterious. Considering available information, this variant is classified as pathogenic. References: Harrison RE et al. Molecular and functional analysis identifies ALK-1 as the predominant cause of pulmonary hypertension related to hereditary haemorrhagic telangiectasia. J Med Genet. 2003 Dec;40(12):865-71. Heimdal K et al. Mutation analysis in Norwegian families with hereditary hemorrhagic telangiectasia: founder mutations in ACVRL1. Clin Genet. 2016 Feb;89(2):182-6. Yang H et al. Genetic analyses in a cohort of 191 pulmonary arterial hypertension patients. Respir Res. 2018 May 9;19(1):87.

NIHR Bioresource Rare Diseases, University of Cambridge
Classification: Likely pathogenic for Telangiectasia, hereditary hemorrhagic, type 2. Last evaluated: 2018-01-01. Review status: criteria provided, single submitter. Criteria: ACMG Guidelines, 2015. Collection method: research. Allele origin: unknown. Affected: yes. Observed: 5 variant alleles.
Comment: PS3+PM2+PP4+PP5

OMIM
Classification: Pathogenic for PULMONARY ARTERIAL HYPERTENSION, HEREDITARY HEMORRHAGIC TELANGIECTASIA-RELATED. Last evaluated: 2003-12-01. Review status: no assertion criteria provided. Collection method: literature only. Allele origin: germline. Not counted in ClinVar's aggregate classification.

Literature cited by the submitters: PubMed 32573726 (cited by NIHR Bioresource Rare Diseases, University of Cambridge); PubMed 14684682 (cited by OMIM).